The following is an entry in ClinVar:

ClinVar aggregate classification (germline): Conflicting classifications of pathogenicity. Review status: criteria provided, conflicting classifications (1 of 4 stars). 3 submissions from 3 submitters: Uncertain significance (2); Likely benign (1). Last evaluated 2024-01-28.

Conditions:
Hereditary breast ovarian cancer syndrome. Also called: Hereditary breast and ovarian cancer syndrome (HBOC); BRCA1- and BRCA2-Associated Hereditary Breast and Ovarian Cancer; Hereditary breast and/or ovarian cancer syndrome; Hereditary breast and ovarian cancer syndrome; Hereditary breast and ovarian cancer; Breast and ovarian cancer. Identifiers: Orphanet 145, MedGen C0677776, MeSH D061325, MONDO:0003582. Disease mechanism: loss of function.
Hereditary cancer-predisposing syndrome. Also called: Neoplastic Syndromes, Hereditary; Hereditary neoplastic syndrome; Tumor predisposition; Hereditary Cancer Syndrome. Identifiers: Orphanet 140162, MedGen C0027672, MeSH D009386, MONDO:0015356.

Submissions (4):

Labcorp Genetics (formerly Invitae), Labcorp
Classification: Uncertain significance for Hereditary breast ovarian cancer syndrome. Last evaluated: 2024-01-28. Review status: criteria provided, single submitter. Criteria: Invitae Variant Classification Sherloc (09022015). Collection method: clinical testing. Allele origin: germline.
Comment: This sequence change falls in intron 20 of the BRCA1 gene. It does not directly change the encoded amino acid sequence of the BRCA1 protein. It affects a nucleotide within the consensus splice site. This variant is not present in population databases (gnomAD no frequency). This variant has not been reported in the literature in individuals affected with BRCA1-related conditions. ClinVar contains an entry for this variant (Variation ID: 438939). Algorithms developed to predict the effect of variants on protein structure and function are not available or were not evaluated for this variant. Experimental studies have shown that this variant does not substantially affect BRCA1 function (PMID: 30209399). Variants that disrupt the consensus splice site are a relatively common cause of aberrant splicing (PMID: 17576681, 9536098). Algorithms developed to predict the effect of sequence changes on RNA splicing suggest that this variant is not likely to affect RNA splicing. In summary, the available evidence is currently insufficient to determine the role of this variant in disease. Therefore, it has been classified as a Variant of Uncertain Significance.

Ambry Genetics
Classification: Likely benign for Hereditary cancer-predisposing syndrome. Last evaluated: 2021-03-23. Review status: criteria provided, single submitter. Criteria: Ambry Variant Classification Scheme 2023. Collection method: clinical testing. Allele origin: germline.

Quest Diagnostics Nichols Institute San Juan Capistrano
Classification: Uncertain significance. Last evaluated: 2017-01-17. Review status: criteria provided, single submitter. Criteria: Quest Diagnostics criteria. Collection method: clinical testing. Allele origin: germline.

Brotman Baty Institute, University of Washington
No classification provided (evidence only). Condition: Breast-ovarian cancer, familial 1. Review status: no classification provided. Collection method: in vitro. Allele origin: not applicable. Functional consequence: functionally_normal. Not counted in ClinVar's aggregate classification.
ClinVar note: "not provided" was previously submitted as the classification for the variant. However, the classification appeared to be based only on an observation of functional data so it was converted to no classification on 2025-07-30.

Literature cited by the submitters: PubMed 30209399 (cited by Labcorp Genetics (formerly Invitae), Labcorp and Ambry Genetics); PubMed 17576681 (cited by Labcorp Genetics (formerly Invitae), Labcorp); PubMed 9536098 (cited by Labcorp Genetics (formerly Invitae), Labcorp).

NM_007294.4(BRCA1):c.5332+5G>A

Gene: BRCA1 (BRCA1 DNA repair associated; minus strand). Cytogenetic location: 17q21.31.
Variant type: single nucleotide variant.
Coding change: c.5332+5G>A on transcript NM_007294.4 (MANE Select); 5 bases into the intron after coding-DNA position 5332, G replaced by A.
Molecular consequence: intron variant.
Genome position (GRCh38, 1-based): chr17:43,051,058, C>T on the plus strand (G>A on the coding strand, the complement: BRCA1 is on the minus strand). VCF-style: chr17-43051058-C-T. GRCh37 (hg19) VCF-style: chr17-41203075-C-T.
Other names: c.4999+5G>A (NM_001407946.1, NM_001407948.1, NM_001407947.1 and 1 more transcripts); c.1810+5G>A (NM_001408489.1, NM_001408482.1, NM_001408484.1 and 5 more transcripts); c.1813+5G>A (NM_001408479.1, NM_001408478.1, NM_001408480.1); c.5119+5G>A (NM_001407910.1, NM_001407904.1, NM_001407896.1 and 12 more transcripts); c.5122+5G>A (NM_001407884.1, NM_001407879.1, NM_001407882.1 and 5 more transcripts); c.5320+5G>A (NM_001407646.1); c.1894+5G>A (NM_001408445.1, NM_001408450.1, NM_001408447.1 and 2 more transcripts); c.1897+5G>A (NM_001408432.1, NM_001408443.1, NM_001408439.1 and 10 more transcripts); and 74 more.
Identifiers: ClinVar variation 438939 (VCV000438939.17), dbSNP rs1555575663, ClinGen allele CA645509525.